The following is an entry in ClinVar:

ClinVar aggregate classification (germline): Likely benign. Review status: criteria provided, multiple submitters, no conflicts (2 of 4 stars). 3 submissions from 3 submitters: Likely benign (2). 1 of the submissions does not count toward it. Last evaluated 2020-09-01.

Conditions:
SYNE1-related disorder. Also called: SYNE1-related disorders; SYNE1-related disease; SYNE1-related condition.
Emery-Dreifuss muscular dystrophy 4, autosomal dominant (EDMD4). Also called: EMERY-DREIFUSS MUSCULAR DYSTROPHY 4 WITH VARIABLE FEATURES. Identifiers: Orphanet 261, MedGen C2751807, MONDO:0013071, OMIM 612998.
Autosomal recessive ataxia, Beauce type. Also called: SYNE1 Deficiency; Spinocerebellar ataxia, autosomal recessive 8; ATAXIA, RECESSIVE, OF BEAUCE; SYNE1-Related Autosomal Recessive Cerebellar Ataxia. Identifiers: Orphanet 88644, MedGen C1853116, MONDO:0012549, OMIM 610743.

Allele frequency attached by ClinVar (database versions not stated): gnomAD exomes 0.00001; ExAC 0.00002; gnomAD 0.00005; TOPMed 0.00006; ESP Exome Variant Server 0.00008; 1000 Genomes Project 30x 0.00016; 1000 Genomes Project 0.00020.
gnomAD v4.1: 11 of 1,613,766 alleles (0.00068%); highest among the groups gnomAD compares: African/African-American, 0.013%; no homozygotes.

Submissions (3):

Labcorp Genetics (formerly Invitae), Labcorp
Classification: Likely benign for Emery-Dreifuss muscular dystrophy 4, autosomal dominant; Autosomal recessive ataxia, Beauce type. Last evaluated: 2020-09-01. Review status: criteria provided, single submitter. Criteria: Invitae Variant Classification Sherloc (09022015). Collection method: clinical testing. Allele origin: germline.

GeneDx
Classification: Likely benign. Last evaluated: 2018-03-13. Review status: criteria provided, single submitter. Criteria: GeneDx Variant Classification (06012015). Collection method: clinical testing. Allele origin: germline. Affected: yes.
Comment: This variant is considered likely benign or benign based on one or more of the following criteria: it is a conservative change, it occurs at a poorly conserved position in the protein, it is predicted to be benign by multiple in silico algorithms, and/or has population frequency not consistent with disease.

PreventionGenetics, part of Exact Sciences
Classification: Likely benign for SYNE1-related condition. Last evaluated: 2019-02-20. Review status: no assertion criteria provided. Collection method: clinical testing. Allele origin: germline. Not counted in ClinVar's aggregate classification.
Comment: This variant is classified as likely benign based on ACMG/AMP sequence variant interpretation guidelines (Richards et al. 2015 PMID: 25741868, with internal and published modifications).

NM_182961.4(SYNE1):c.25459-7T>G

Gene: SYNE1 (spectrin repeat containing nuclear envelope protein 1; minus strand). Cytogenetic location: 6q25.2.
Variant type: single nucleotide variant.
Coding change: c.25459-7T>G on transcript NM_182961.4 (MANE Select); 7 bases into the intron before coding-DNA position 25459, T replaced by G.
Molecular consequence: intron variant.
Genome position (GRCh38, 1-based): chr6:152,136,825, A>C on the plus strand (T>G on the coding strand, the complement: SYNE1 is on the minus strand). VCF-style: chr6-152136825-A-C. GRCh37 (hg19) VCF-style: chr6-152457960-A-C.
Other names: c.25315-7T>G (NM_033071.5); c.2065-7T>G (NM_001347701.2); c.1993-7T>G (NM_001347702.2).
Identifiers: ClinVar variation 516005 (VCV000516005.11), dbSNP rs367972414, ClinGen allele CA4052818.
Genomic context (GRCh38, chr6:152,136,825, plus strand): 5'-GAGATTGATGGAGAGGATGATGGCTTTGCGGTGGTCCACAGCTTTCTGGAGCTCCTGAAA[A>C]GAACAAAAAAGACAATCAAACAAGGACAATAATGACAAAGATATTTTCCCTTGAAAATGT-3'